The following is an entry in ClinVar:

ClinVar aggregate classification (germline): Uncertain significance (1 of 4 stars; one submission).

Conditions:
Noonan syndrome 9 (NS9). Identifiers: Orphanet 648, MedGen C4225282, MONDO:0014691, OMIM 616559.

Allele frequency attached by ClinVar (database versions not stated): gnomAD exomes 0.00001.
gnomAD v4.1: 7 of 1,613,382 alleles (0.00043%); highest among the groups gnomAD compares: Non-Finnish European, 0.00059%; no homozygotes.

Submission:

Labcorp Genetics (formerly Invitae), Labcorp
Classification: Uncertain significance for Noonan syndrome 9. Last evaluated: 2020-12-18. Review status: criteria provided, single submitter. Criteria: Invitae Variant Classification Sherloc (09022015). Collection method: clinical testing. Allele origin: germline.
Comment: In summary, the available evidence is currently insufficient to determine the role of this variant in disease. Therefore, it has been classified as a Variant of Uncertain Significance. Algorithms developed to predict the effect of missense changes on protein structure and function are either unavailable or do not agree on the potential impact of this missense change (SIFT: "Tolerated"; PolyPhen-2: "Possibly Damaging"; Align-GVGD: "Class C0"). This sequence change replaces threonine with serine at codon 1091 of the SOS2 protein (p.Thr1091Ser). The threonine residue is moderately conserved and there is a small physicochemical difference between threonine and serine. This variant is not present in population databases (ExAC no frequency). This variant has not been reported in the literature in individuals with SOS2-related conditions.

NM_006939.4(SOS2):c.3271A>T (p.Thr1091Ser)

Gene: SOS2 (SOS Ras/Rho guanine nucleotide exchange factor 2; minus strand). Cytogenetic location: 14q21.3.
Variant type: single nucleotide variant.
Coding change: c.3271A>T on transcript NM_006939.4 (MANE Select); coding-DNA position 3271, A replaced by T.
Protein change: p.Thr1091Ser; replaces threonine 1091 with serine.
Molecular consequence: missense variant.
Genome position (GRCh38, 1-based): chr14:50,130,567, T>A on the plus strand (A>T on the coding strand, the complement: SOS2 is on the minus strand). VCF-style: chr14-50130567-T-A. GRCh37 (hg19) VCF-style: chr14-50597285-T-A.
Other names: short protein forms T1091S.
Identifiers: ClinVar variation 1385905 (VCV001385905.8), dbSNP rs1210330980, ClinGen allele CA389640467.
Genomic context (GRCh38, chr14:50,130,567, plus strand): 5'-AGCTGTTGAGATCCACATCTAAAAATACACTAAGGTCTGAAGAAGCAGATACTGGTGGAG[T>A]AGATGGTGTATTTGGAGAGGTTGGTGCTGACACTGTTGATTCCAGCTCAGTTTCAGCAAT-3'
Protein context (NP_008870.2, residues 1081-1101): SAPTSPNTPS[Thr1091Ser]PPVSASSDLS